The following is an entry in ClinVar:

NM_002069.6(GNAI1):c.228C>T (p.Asn76=)

Gene: GNAI1 (G protein subunit alpha i1; plus strand). Cytogenetic location: 7q21.11.
Variant type: single nucleotide variant.
Coding change: c.228C>T on transcript NM_002069.6 (MANE Select); coding-DNA position 228, C replaced by T.
Protein change: p.Asn76=; no amino-acid change (asparagine 76 retained).
Molecular consequence: synonymous variant.
Genome position (GRCh38, 1-based): chr7:80,189,156, C>T. VCF-style: chr7-80189156-C-T. GRCh37 (hg19) VCF-style: chr7-79818472-C-T.
Other names: c.72C>T, p.Asn24= (NM_001256414.2).
Identifiers: ClinVar variation 3058557 (VCV003058557.2), dbSNP rs200492705, ClinGen allele CA4314468.

ClinVar aggregate classification (germline): Likely benign (0 of 4 stars; one submission).

Conditions:
GNAI1-related disorder.

Allele frequency attached by ClinVar (database versions not stated): TOPMed 0.00006; ExAC 0.00008; gnomAD 0.00009; ESP Exome Variant Server 0.00015; gnomAD exomes 0.00020.
gnomAD v4.1: 294 of 1,605,884 alleles (0.018%); highest among the groups gnomAD compares: Non-Finnish European, 0.024%; no homozygotes.

Submission:

PreventionGenetics, part of Exact Sciences
Classification: Likely benign for GNAI1-related condition. Last evaluated: 2019-03-11. Review status: no assertion criteria provided. Collection method: clinical testing. Allele origin: germline.
Comment: This variant is classified as likely benign based on ACMG/AMP sequence variant interpretation guidelines (Richards et al. 2015 PMID: 25741868, with internal and published modifications).